The following is an entry in ClinVar:

NM_002633.3(PGM1):c.1555G>A (p.Asp519Asn)

Gene: PGM1 (phosphoglucomutase 1; plus strand). Cytogenetic location: 1p31.3.
Variant type: single nucleotide variant.
Coding change: c.1555G>A on transcript NM_002633.3 (MANE Select); coding-DNA position 1555, G replaced by A.
Protein change: p.Asp519Asn; replaces aspartic acid 519 with asparagine.
Molecular consequence: missense variant.
Genome position (GRCh38, 1-based): chr1:63,654,422, G>A. VCF-style: chr1-63654422-G-A. GRCh37 (hg19) VCF-style: chr1-64120093-G-A.
Other names: c.1609G>A, p.Asp537Asn (NM_001172818.1); c.964G>A, p.Asp322Asn (NM_001172819.2); c.1555G>A (NM_002633.2); short protein forms D519N, D537N, D322N.
Identifiers: ClinVar variation 2078056 (VCV002078056.5), dbSNP rs766309260, ClinGen allele CA889894.

ClinVar aggregate classification (germline): Uncertain significance. Review status: criteria provided, multiple submitters, no conflicts (2 of 4 stars). 2 submissions from 2 submitters: Uncertain significance (2). Last evaluated 2025-09-26.

Conditions:
PGM1-congenital disorder of glycosylation. Also called: PHOSPHOGLUCOMUTASE 1 DEFICIENCY; PGM1 DEFICIENCY; Congenital disorder of glycosylation type 1t; CDG It; GLYCOGEN STORAGE DISEASE XIV; GSD XIV. Identifiers: Orphanet 319646, MedGen C2752015, MONDO:0013968, OMIM 614921.
Inborn genetic diseases. Identifiers: MedGen C0950123, MeSH D030342.

Allele frequency attached by ClinVar (database versions not stated): gnomAD exomes 0.00001; ExAC 0.00002.
gnomAD v4.1: 8 of 1,614,040 alleles (0.0005%); highest among the groups gnomAD compares: Admixed American, 0.0017%; no homozygotes.

Submissions (2):

Ambry Genetics
Classification: Uncertain significance for Inborn genetic diseases. Last evaluated: 2025-09-26. Review status: criteria provided, single submitter. Criteria: Ambry Variant Classification Scheme 2023. Collection method: clinical testing. Allele origin: germline.

Labcorp Genetics (formerly Invitae), Labcorp
Classification: Uncertain significance for PGM1-congenital disorder of glycosylation. Last evaluated: 2022-03-14. Review status: criteria provided, single submitter. Criteria: Invitae Variant Classification Sherloc (09022015). Collection method: clinical testing. Allele origin: germline.
Comment: In summary, the available evidence is currently insufficient to determine the role of this variant in disease. Therefore, it has been classified as a Variant of Uncertain Significance. Algorithms developed to predict the effect of missense changes on protein structure and function are either unavailable or do not agree on the potential impact of this missense change (SIFT: "Deleterious"; PolyPhen-2: "Probably Damaging"; Align-GVGD: "Class C0"). This variant has not been reported in the literature in individuals affected with PGM1-related conditions. This variant is present in population databases (rs766309260, gnomAD 0.003%). This sequence change replaces aspartic acid, which is acidic and polar, with asparagine, which is neutral and polar, at codon 519 of the PGM1 protein (p.Asp519Asn).